The following is an entry in ClinVar:

NM_014000.3(VCL):c.1464A>C (p.Lys488Asn)

Gene: VCL (vinculin; plus strand). Cytogenetic location: 10q22.2.
Variant type: single nucleotide variant.
Coding change: c.1464A>C on transcript NM_014000.3 (MANE Select); coding-DNA position 1464, A replaced by C.
Protein change: p.Lys488Asn; replaces lysine 488 with asparagine.
Molecular consequence: missense variant.
Genome position (GRCh38, 1-based): chr10:74,094,382, A>C. VCF-style: chr10-74094382-A-C. GRCh37 (hg19) VCF-style: chr10-75854140-A-C.
Other names: c.1464A>C, p.Lys488Asn (NM_003373.4); short protein forms K488N.
Identifiers: ClinVar variation 1394213 (VCV001394213.6), dbSNP rs2131914533, ClinGen allele CA377273866.

ClinVar aggregate classification (germline): Uncertain significance (1 of 4 stars; one submission).

Conditions:
Dilated cardiomyopathy 1W (CMD1W). Identifiers: Orphanet 154, MedGen C1969639, MONDO:0012667, OMIM 611407.

Submission:

Labcorp Genetics (formerly Invitae), Labcorp
Classification: Uncertain significance for Dilated cardiomyopathy 1W. Last evaluated: 2021-11-19. Review status: criteria provided, single submitter. Criteria: Invitae Variant Classification Sherloc (09022015). Collection method: clinical testing. Allele origin: germline.
Comment: This variant has not been reported in the literature in individuals affected with VCL-related conditions. In summary, the available evidence is currently insufficient to determine the role of this variant in disease. Therefore, it has been classified as a Variant of Uncertain Significance. Algorithms developed to predict the effect of missense changes on protein structure and function are either unavailable or do not agree on the potential impact of this missense change (SIFT: "Not Available"; PolyPhen-2: "Probably Damaging"; Align-GVGD: "Not Available"). This variant is not present in population databases (gnomAD no frequency). This sequence change replaces lysine, which is basic and polar, with asparagine, which is neutral and polar, at codon 488 of the VCL protein (p.Lys488Asn).